The following is an entry in ClinVar:

ClinVar aggregate classification (germline): Uncertain significance. Review status: criteria provided, multiple submitters, no conflicts (2 of 4 stars). 2 submissions from 2 submitters: Uncertain significance (2). Last evaluated 2025-01-09.

Conditions:
T-cell immunodeficiency with epidermodysplasia verruciformis. Identifiers: Orphanet 324294, MedGen C4749500, MONDO:0017925.

Allele frequency attached by ClinVar (database versions not stated): gnomAD 0.00001; gnomAD exomes 0.00001 and 0.00004; ExAC 0.00003.

Submissions (2):

Ambry Genetics
Classification: Uncertain significance. Last evaluated: 2025-01-09. Review status: criteria provided, single submitter. Criteria: Ambry Variant Classification Scheme 2023. Collection method: clinical testing. Allele origin: germline.

Labcorp Genetics (formerly Invitae), Labcorp
Classification: Uncertain significance for T-cell immunodeficiency with epidermodysplasia verruciformis. Last evaluated: 2024-07-22. Review status: criteria provided, single submitter. Criteria: Invitae Variant Classification Sherloc (09022015). Collection method: clinical testing. Allele origin: germline.
Comment: This sequence change replaces arginine, which is basic and polar, with glutamine, which is neutral and polar, at codon 157 of the RHOH protein (p.Arg157Gln). This variant is present in population databases (rs775914843, gnomAD 0.009%). This variant has not been reported in the literature in individuals affected with RHOH-related conditions. ClinVar contains an entry for this variant (Variation ID: 1356356). An algorithm developed to predict the effect of missense changes on protein structure and function (PolyPhen-2) suggests that this variant is likely to be disruptive. In summary, the available evidence is currently insufficient to determine the role of this variant in disease. Therefore, it has been classified as a Variant of Uncertain Significance.

NM_004310.5(RHOH):c.470G>A (p.Arg157Gln)

Gene: RHOH (ras homolog family member H; plus strand). Cytogenetic location: 4p14.
Variant type: single nucleotide variant.
Coding change: c.470G>A on transcript NM_004310.5 (MANE Select); coding-DNA position 470, G replaced by A.
Protein change: p.Arg157Gln; replaces arginine 157 with glutamine.
Molecular consequence: missense variant.
Genome position (GRCh38, 1-based): chr4:40,243,856, G>A. VCF-style: chr4-40243856-G-A. GRCh37 (hg19) VCF-style: chr4-40245476-G-A.
Other names: c.470G>A, p.Arg157Gln (NM_001278359.2, NM_001278360.2, NM_001278361.2 and 8 more transcripts); c.470G>A (NM_004310.3); short protein forms R157Q.
Identifiers: ClinVar variation 1356356 (VCV001356356.6), dbSNP rs775914843, ClinGen allele CA2897772.